The following is an entry in ClinVar:

NM_138615.3(DHX30):c.521G>A (p.Arg174Gln)

Gene: DHX30 (DExH-box helicase 30; plus strand). Cytogenetic location: 3p21.31.
Variant type: single nucleotide variant.
Coding change: c.521G>A on transcript NM_138615.3 (MANE Select); coding-DNA position 521, G replaced by A.
Protein change: p.Arg174Gln; replaces arginine 174 with glutamine.
Molecular consequence: missense variant.
Genome position (GRCh38, 1-based): chr3:47,841,031, G>A. VCF-style: chr3-47841031-G-A. GRCh37 (hg19) VCF-style: chr3-47882521-G-A.
Other names: c.437G>A, p.Arg146Gln (NM_001330990.2); c.404G>A, p.Arg135Gln (NM_014966.4); short protein forms R135Q, R146Q, R174Q.
Identifiers: ClinVar variation 2627176 (VCV002627176.1), dbSNP rs765159677, ClinGen allele CA2369723.

ClinVar aggregate classification (germline): Uncertain significance (1 of 4 stars; one submission).

Allele frequency attached by ClinVar (database versions not stated): ExAC 0.00001.
gnomAD v4.1: 9 of 1,614,132 alleles (0.00056%); highest among the groups gnomAD compares: Non-Finnish European, 0.00076%; no homozygotes.

Submission:

Women's Health and Genetics/Laboratory Corporation of America, LabCorp
Classification: Uncertain significance. Last evaluated: 2023-09-08. Review status: criteria provided, single submitter. Criteria: LabCorp Variant Classification Summary - May 2015. Collection method: clinical testing. Allele origin: germline.
Comment: Variant summary: DHX30 c.521G>A (p.Arg174Gln) results in a conservative amino acid change in the encoded protein sequence. Four of five in-silico tools predict a benign effect of the variant on protein function. The variant allele was found at a frequency of 4e-06 in 251218 control chromosomes (gnomAD). The available data on variant occurrences in the general population are insufficient to allow any conclusion about variant significance. To our knowledge, no occurrence of c.521G>A in individuals affected with Neurodevelopmental Disorder With Severe Motor Impairment And Absent Language and no experimental evidence demonstrating its impact on protein function have been reported. No submitters have cited clinical-significance assessments for this variant to ClinVar after 2014. Based on the evidence outlined above, the variant was classified as uncertain significance.